The following is an entry in ClinVar:

NM_001035.3(RYR2):c.1973A>G (p.Asn658Ser)

Gene: RYR2 (ryanodine receptor 2; plus strand). Cytogenetic location: 1q43.
Variant type: single nucleotide variant.
Coding change: c.1973A>G on transcript NM_001035.3 (MANE Select); coding-DNA position 1973, A replaced by G.
Protein change: p.Asn658Ser; replaces asparagine 658 with serine.
Molecular consequence: missense variant.
Genome position (GRCh38, 1-based): chr1:237,496,522, A>G. VCF-style: chr1-237496522-A-G. GRCh37 (hg19) VCF-style: chr1-237659822-A-G.
Other names: p.N658S:AAT>AGT; c.1973A>G, p.Asn658Ser (LRG_402t1); short protein forms N658S.
Identifiers: ClinVar variation 201225 (VCV000201225.40), dbSNP rs2009813, ClinGen allele CA008650.

ClinVar aggregate classification (germline): Uncertain significance. Review status: criteria provided, multiple submitters, no conflicts (2 of 4 stars). 8 submissions from 8 submitters: Uncertain significance (8). Last evaluated 2026-04-15.

Conditions:
Cardiovascular phenotype. Identifiers: MedGen CN230736.
Catecholaminergic polymorphic ventricular tachycardia (CVPT). Also called: Catecholamine-induced polymorphic ventricular tachycardia. Identifiers: Orphanet 3286, MedGen C5574922, MONDO:0017990.
Cardiomyopathy (CMYO). Also called: Cardiomyopathies. Identifiers: Orphanet 167848, MedGen C0878544, MONDO:0004994, HP:0001638. Inheritance: Various modes of inheritance.
Catecholaminergic polymorphic ventricular tachycardia 1. Also called: RYR2-Related Catecholaminergic Polymorphic Ventricular Tachycardia; VENTRICULAR TACHYCARDIA, STRESS-INDUCED POLYMORPHIC 1; VENTRICULAR TACHYCARDIA, CATECHOLAMINERGIC POLYMORPHIC, 1, WITH OR WITHOUT ATRIAL DYSFUNCTION AND/OR DILATED CARDIOMYOPATHY. Identifiers: Orphanet 3286, MedGen C1631597, MONDO:0011484, OMIM 604772.
Hypertrophic cardiomyopathy. Also called: HYPERTROPHIC MYOCARDIOPATHY. Identifiers: Orphanet 217569, MedGen C0007194, MeSH D002312, MONDO:0005045, HP:0001639.

Allele frequency attached by ClinVar (database versions not stated): ExAC 0.00004; gnomAD exomes 0.00004; TOPMed 0.00004; gnomAD 0.00005; ESP Exome Variant Server 0.00017.
gnomAD v4.1: 67 of 1,613,786 alleles (0.0042%); highest among the groups gnomAD compares: Middle Eastern, 0.033%; 1 homozygote.

Submissions (8):

Ambry Genetics
Classification: Uncertain significance for Cardiovascular phenotype. Last evaluated: 2026-04-15. Review status: criteria provided, single submitter. Criteria: Ambry Variant Classification Scheme 2023. Collection method: clinical testing. Allele origin: germline.
Comment: The c.1973A>G (p.N658S) alteration is located in exon 20 (coding exon 20) of the RYR2 gene. This alteration results from a A to G substitution at nucleotide position 1973, causing the asparagine (N) at amino acid position 658 to be replaced by a serine (S). Based on data from gnomAD, the G allele has an overall frequency of 0.004% (11/280302) total alleles studied. The highest observed frequency was 0.008% (2/24194) of African alleles. Based on insufficient or conflicting evidence, the clinical significance of this alteration remains unclear.

GeneDx
Classification: Uncertain significance. Last evaluated: 2025-10-27. Review status: criteria provided, single submitter. Criteria: GeneDx Variant Classification Process June 2021. Collection method: clinical testing. Allele origin: germline. Affected: yes.
Comment: In silico analysis supports that this missense variant has a deleterious effect on protein structure/function; Not located in one of the three hot-spot regions of the RYR2 gene, where the majority of pathogenic missense variants occur (PMID: 19926015); This variant is associated with the following publications: (PMID: 29453246, 31513939, 36830871, 31155924, 30615648, 37477868, 19926015)

Color Diagnostics, LLC DBA Color Health
Classification: Uncertain significance for Cardiomyopathy. Last evaluated: 2025-08-11. Review status: criteria provided, single submitter. Criteria: ACMG Guidelines, 2015. Collection method: clinical testing. Allele origin: germline.
Comment: This missense variant replaces asparagine with serine at codon 658 of the RYR2 protein. Computational prediction suggests that this variant may have a deleterious impact on protein structure and function. To our knowledge, functional studies have not been reported for this variant. This variant has been reported in an individual affected with catecholaminergic polymorphic ventricular tachycardia (PMID: 31155924) and in an individual suspected to be affected with catecholaminergic polymorphic ventricular tachycardia (PMID: 29453246). It has also been reported in an individual affected with hypertrophic cardiomyopathy (PMID: 31513939), in an individual affected with cardiomyopathy (PMID: 37477868), and in an individual affected with stillbirth (PMID: 30615648). This variant has been identified in 11/280302 chromosomes in the general population by the Genome Aggregation Database (gnomAD). The available evidence is insufficient to determine the role of this variant in disease conclusively. Therefore, this variant is classified as a Variant of Uncertain Significance.

Labcorp Genetics (formerly Invitae), Labcorp
Classification: Uncertain significance for Catecholaminergic polymorphic ventricular tachycardia 1. Last evaluated: 2024-07-04. Review status: criteria provided, single submitter. Criteria: Invitae Variant Classification Sherloc (09022015). Collection method: clinical testing. Allele origin: germline.
Comment: This sequence change replaces asparagine, which is neutral and polar, with serine, which is neutral and polar, at codon 658 of the RYR2 protein (p.Asn658Ser). This variant is present in population databases (rs2009813, gnomAD 0.007%). This missense change has been observed in individual(s) with clinical features of RYR2-related conditions (PMID: 31513939; Invitae). ClinVar contains an entry for this variant (Variation ID: 201225). Advanced modeling of protein sequence and biophysical properties (such as structural, functional, and spatial information, amino acid conservation, physicochemical variation, residue mobility, and thermodynamic stability) performed at Invitae indicates that this missense variant is expected to disrupt RYR2 protein function with a positive predictive value of 95%. In summary, the available evidence is currently insufficient to determine the role of this variant in disease. Therefore, it has been classified as a Variant of Uncertain Significance.

Blueprint Genetics
Classification: Uncertain significance. Last evaluated: 2024-03-07. Review status: criteria provided, single submitter. Criteria: ACMG Guidelines, 2015. Collection method: clinical testing. Allele origin: germline.

All of Us Research Program, National Institutes of Health
Classification: Uncertain significance for Catecholaminergic polymorphic ventricular tachycardia. Last evaluated: 2023-12-13. Review status: criteria provided, single submitter. Criteria: ACMG Guidelines, 2015. Collection method: clinical testing. Allele origin: germline. Inheritance: Autosomal dominant inheritance. Observed: 10 variant alleles, 10 heterozygotes.
Comment: This missense variant replaces asparagine with serine at codon 658 of the RYR2 protein. Computational prediction suggests that this variant may have a deleterious impact on protein structure and function (internally defined REVEL score threshold >= 0.7, PMID: 27666373). To our knowledge, functional studies have not been reported for this variant. This variant has been reported in an individual affected with catecholaminergic polymorphic ventricular tachycardia (PMID: 31155924) and in an individual suspected to be affected with catecholaminergic polymorphic ventricular tachycardia (PMID: 29453246). It has also been reported in an individual affected with hypertrophic cardiomyopathy (PMID: 31513939), in an individual affected with cardiomyopathy (PMID: 37477868), and in an individual affected with stillbirth (PMID: 30615648). This variant has been identified in 11/280302 chromosomes in the general population by the Genome Aggregation Database (gnomAD). The available evidence is insufficient to determine the role of this variant in disease conclusively. Therefore, this variant is classified as a Variant of Uncertain Significance.

This study involves interpretation of variants in research participants for the purpose of population health screening. Participant phenotype was not available at the time of variant classification. Additional details can be found in publication PMID: 35346344, PMCID: PMC8962531

Clinical Genetics Laboratory, Skane University Hospital Lund
Classification: Uncertain significance. Last evaluated: 2022-06-30. Review status: criteria provided, single submitter. Criteria: ACMG Guidelines, 2015. Collection method: clinical testing. Allele origin: germline. Affected: yes.

Center for Human Genetics, University of Leuven
Classification: Uncertain significance for Hypertrophic cardiomyopathy. Last evaluated: 2018-10-31. Review status: criteria provided, single submitter. Criteria: ACMG Guidelines, 2015. Collection method: clinical testing. Allele origin: germline. Affected: yes.

Literature cited by the submitters: PubMed 29453246 (cited by Color Diagnostics, LLC DBA Color Health and All of Us Research Program, National Institutes of Health); PubMed 30615648 (cited by Color Diagnostics, LLC DBA Color Health and All of Us Research Program, National Institutes of Health); PubMed 31155924 (cited by Color Diagnostics, LLC DBA Color Health and All of Us Research Program, National Institutes of Health); PubMed 31513939 (cited by 3 submitters); PubMed 37477868 (cited by Color Diagnostics, LLC DBA Color Health and All of Us Research Program, National Institutes of Health).